The following is an entry in ClinVar:

ClinVar aggregate classification (germline): Uncertain significance (1 of 4 stars; one submission).

Conditions:
Werner syndrome (WRN). Identifiers: Orphanet 902, MedGen C0043119, MONDO:0010196, OMIM 277700.

Allele frequency attached by ClinVar (database versions not stated): TOPMed below 0.00001; gnomAD 0.00001.
gnomAD v4.1: 1 of 1,613,718 alleles (0.000062%); highest among the groups gnomAD compares: Admixed American, 0.0017%; no homozygotes.

Submission:

Labcorp Genetics (formerly Invitae), Labcorp
Classification: Uncertain significance for Werner syndrome. Last evaluated: 2020-07-09. Review status: criteria provided, single submitter. Criteria: Invitae Variant Classification Sherloc (09022015). Collection method: clinical testing. Allele origin: germline.
Comment: This sequence change replaces asparagine with threonine at codon 500 of the WRN protein (p.Asn500Thr). The asparagine residue is weakly conserved and there is a small physicochemical difference between asparagine and threonine. This variant is not present in population databases (ExAC no frequency). Algorithms developed to predict the effect of missense changes on protein structure and function are either unavailable or do not agree on the potential impact of this missense change (SIFT: "Not Available"; PolyPhen-2: "Benign"; Align-GVGD: "Not Available"). This variant has not been reported in the literature in individuals with WRN-related conditions. In summary, the available evidence is currently insufficient to determine the role of this variant in disease. Therefore, it has been classified as a Variant of Uncertain Significance.

NM_000553.6(WRN):c.1499A>C (p.Asn500Thr)

Gene: WRN (WRN RecQ like helicase; plus strand). Cytogenetic location: 8p12.
Variant type: single nucleotide variant.
Coding change: c.1499A>C on transcript NM_000553.6 (MANE Select); coding-DNA position 1499, A replaced by C.
Protein change: p.Asn500Thr; replaces asparagine 500 with threonine.
Molecular consequence: missense variant.
Genome position (GRCh38, 1-based): chr8:31,087,843, A>C. VCF-style: chr8-31087843-A-C. GRCh37 (hg19) VCF-style: chr8-30945359-A-C.
Other names: short protein forms N500T.
Identifiers: ClinVar variation 1056833 (VCV001056833.3), dbSNP rs1813593040, ClinGen allele CA370924461.